The following is an entry in ClinVar:

ClinVar aggregate classification (germline): Benign (1 of 4 stars; one submission).

Conditions:
Tuberous sclerosis 1 (TSC1). Identifiers: Orphanet 805, MedGen C1854465, MONDO:0008612, OMIM 191100.

Submission:

Myriad Genetics, Inc.
Classification: Benign for Tuberous sclerosis 1. Last evaluated: 2025-04-24. Review status: criteria provided, single submitter. Criteria: Myriad Autosomal Dominant, Autosomal Recessive and X-Linked Classification Criteria (2023). Collection method: clinical testing. Allele origin: unknown.
Comment: This variant is considered benign. This variant is a silent/synonymous amino acid change and it is not expected to impact splicing.

NM_000368.5(TSC1):c.2073C>G (p.Leu691=)

Gene: TSC1 (TSC complex subunit 1; minus strand). Cytogenetic location: 9q34.13.
Variant type: single nucleotide variant.
Coding change: c.2073C>G on transcript NM_000368.5 (MANE Select); coding-DNA position 2073, C replaced by G.
Protein change: p.Leu691=; no amino-acid change (leucine 691 retained).
Molecular consequence: synonymous variant. On other transcripts: non-coding transcript variant (4).
Genome position (GRCh38, 1-based): chr9:132,903,786, G>C on the plus strand (C>G on the coding strand, the complement: TSC1 is on the minus strand). VCF-style: chr9-132903786-G-C. GRCh37 (hg19) VCF-style: chr9-135779173-G-C.
Other names: c.2073C>G, p.Leu691= (NM_001406596.1, NM_001406605.1, NM_001406606.1 and 5 more transcripts); c.2070C>G, p.Leu690= (NM_001406597.1, NM_001406600.1, NM_001406598.1 and 4 more transcripts); c.2058C>G, p.Leu686= (NM_001406601.1, NM_001406602.1); c.2055C>G, p.Leu685= (NM_001406603.1, NM_001406604.1); c.1920C>G, p.Leu640= (NM_001406610.1, NM_001162427.2); c.1917C>G, p.Leu639= (NM_001406611.1, NM_001406612.1, NM_001406613.1); c.1710C>G, p.Leu570= (NM_001406614.1, NM_001406615.1, NM_001406616.1 and 5 more transcripts); c.1707C>G, p.Leu569= (NM_001406620.1, NM_001406621.1, NM_001406625.1 and 2 more transcripts); and 3 more.
Identifiers: ClinVar variation 4071213 (VCV004071213.1).
Genomic context (GRCh38, chr9:132,903,786, plus strand): 5'-CTGCTGCCTCTTAAAACGCTCATAGAGTAACTGGTTGTGCAGTAAAAGCAACTGGTCTCG[G>C]AGGGTGCGGATCTCATCTGAAGGAGGAGAGCCTGATTGTAAAGCAGAGGGAGGGTGGCAG-3'
Protein context (NP_000359.1, residues 681-701): GSPPSDEIRT[Leu691=]RDQLLLLHNQ